The following is an entry in ClinVar:

NM_152296.5(ATP1A3):c.1164C>A (p.His388Gln)

Gene: ATP1A3 (ATPase Na+/K+ transporting subunit alpha 3; minus strand). Cytogenetic location: 19q13.2.
Variant type: single nucleotide variant.
Coding change: c.1164C>A on transcript NM_152296.5 (MANE Select); coding-DNA position 1164, C replaced by A.
Protein change: p.His388Gln; replaces histidine 388 with glutamine.
Molecular consequence: missense variant.
Genome position (GRCh38, 1-based): chr19:41,981,936, G>T on the plus strand (C>A on the coding strand, the complement: ATP1A3 is on the minus strand). VCF-style: chr19-41981936-G-T. GRCh37 (hg19) VCF-style: chr19-42486088-G-T.
Other names: c.1197C>A, p.His399Gln (NM_001256213.2); c.1203C>A, p.His401Gln (NM_001256214.2); c.1164C>A (NM_152296.3); short protein forms H399Q, H401Q, H388Q.
Identifiers: ClinVar variation 657037 (VCV000657037.9), dbSNP rs201446077, ClinGen allele CA406050828.

ClinVar aggregate classification (germline): Uncertain significance. Review status: criteria provided, multiple submitters, no conflicts (2 of 4 stars). 2 submissions from 2 submitters: Uncertain significance (2). Last evaluated 2026-01-14.

Conditions:
Dystonia 12 (DYT12). Also called: DYT-ATP1A3; Rapid-Onset Dystonia-Parkinsonism (RDP). Identifiers: Orphanet 71517, MedGen C1868681, MONDO:0007496, OMIM 128235.
Inborn genetic diseases. Identifiers: MedGen C0950123, MeSH D030342.

Submissions (2):

Ambry Genetics
Classification: Uncertain significance for Inborn genetic diseases. Last evaluated: 2026-01-14. Review status: criteria provided, single submitter. Criteria: Ambry Variant Classification Scheme 2023. Collection method: clinical testing. Allele origin: germline.

Labcorp Genetics (formerly Invitae), Labcorp
Classification: Uncertain significance for Dystonia 12. Last evaluated: 2025-11-18. Review status: criteria provided, single submitter. Criteria: Invitae Variant Classification Sherloc (09022015). Collection method: clinical testing. Allele origin: germline.
Comment: This sequence change replaces histidine, which is basic and polar, with glutamine, which is neutral and polar, at codon 388 of the ATP1A3 protein (p.His388Gln). This variant is not present in population databases (gnomAD no frequency). This variant has not been reported in the literature in individuals affected with ATP1A3-related conditions. ClinVar contains an entry for this variant (Variation ID: 657037). Invitae Evidence Modeling of protein sequence and biophysical properties (such as structural, functional, and spatial information, amino acid conservation, physicochemical variation, residue mobility, and thermodynamic stability) has been performed for this missense variant. However, the output from this modeling did not meet the statistical confidence thresholds required to predict the impact of this variant on ATP1A3 protein function. In summary, the available evidence is currently insufficient to determine the role of this variant in disease. Therefore, it has been classified as a Variant of Uncertain Significance.